The following is an entry in ClinVar:

ClinVar aggregate classification (germline): Uncertain significance (1 of 4 stars; one submission).

Conditions:
Inflammatory skin and bowel disease, neonatal, 1. Identifiers: Orphanet 294023, MedGen C3280501, MONDO:0013693, OMIM 614328.

Allele frequency attached by ClinVar (database versions not stated): gnomAD exomes 0.00001; TOPMed 0.00001.
gnomAD v4.1: 8 of 1,600,022 alleles (0.0005%); highest among the groups gnomAD compares: Non-Finnish European, 0.0006%; no homozygotes.

Submission:

Labcorp Genetics (formerly Invitae), Labcorp
Classification: Uncertain significance for Inflammatory skin and bowel disease, neonatal, 1. Last evaluated: 2022-02-25. Review status: criteria provided, single submitter. Criteria: Invitae Variant Classification Sherloc (09022015). Collection method: clinical testing. Allele origin: germline.
Comment: This variant is not present in population databases (gnomAD no frequency). This variant has not been reported in the literature in individuals affected with ADAM17-related conditions. ClinVar contains an entry for this variant (Variation ID: 661121). Algorithms developed to predict the effect of missense changes on protein structure and function are either unavailable or do not agree on the potential impact of this missense change (SIFT: "Not Available"; PolyPhen-2: "Probably Damaging"; Align-GVGD: "Not Available"). Experimental studies have shown that this missense change affects ADAM17 function (PMID: 31060243). In summary, the available evidence is currently insufficient to determine the role of this variant in disease. Therefore, it has been classified as a Variant of Uncertain Significance. This sequence change replaces arginine, which is basic and polar, with cysteine, which is neutral and slightly polar, at codon 177 of the ADAM17 protein (p.Arg177Cys).

Literature cited by the submitters: PubMed 31060243.

NM_003183.6(ADAM17):c.529C>T (p.Arg177Cys)

Gene: ADAM17 (ADAM metallopeptidase domain 17; minus strand). Cytogenetic location: 2p25.1.
Variant type: single nucleotide variant.
Coding change: c.529C>T on transcript NM_003183.6 (MANE Select); coding-DNA position 529, C replaced by T.
Protein change: p.Arg177Cys; replaces arginine 177 with cysteine.
Molecular consequence: missense variant.
Genome position (GRCh38, 1-based): chr2:9,527,876, G>A on the plus strand (C>T on the coding strand, the complement: ADAM17 is on the minus strand). VCF-style: chr2-9527876-G-A. GRCh37 (hg19) VCF-style: chr2-9668005-G-A.
Other names: c.529C>T, p.Arg177Cys (LRG_1203t1); short protein forms R177C.
Identifiers: ClinVar variation 661121 (VCV000661121.8), dbSNP rs1204442125, ClinGen allele CA345784132.